The following is an entry in ClinVar:

ClinVar aggregate classification (germline): Likely pathogenic (1 of 4 stars; one submission).

Conditions:
Developmental delay with or without intellectual impairment or behavioral abnormalities. Identifiers: MedGen C5562004, MONDO:0859199, OMIM 619575.

Submission:

Juno Genomics, Hangzhou Juno Genomics, Inc
Classification: Likely pathogenic for Developmental delay with or without intellectual impairment or behavioral abnormalities. Review status: criteria provided, single submitter. Criteria: ACMG Guidelines, 2015. Collection method: clinical testing. Allele origin: germline. Affected: yes.
Comment: Absent from controls (or at extremely low frequency if recessive) in Genome Aggregation Database, Exome Sequencing Project, 1000 Genomes Project, or Exome Aggregation Consortium.;Null variant in a gene where loss of function (LOF) is a known mechanism of disease.

NM_020791.4(TAOK1):c.775del (p.Asp259fs)

Gene: TAOK1 (TAO kinase 1; plus strand). Cytogenetic location: 17q11.2.
Variant type: Deletion.
Coding change: c.775del on transcript NM_020791.4 (MANE Select); coding-DNA position 775, one base deleted (G; older notation c.775delG).
Protein change: p.Asp259fs; shifts the reading frame from aspartic acid 259.
Molecular consequence: frameshift variant.
Genome position (GRCh38, 1-based): chr17:29,491,809, G deleted. VCF-style (leftmost placement, unchanged base first): chr17-29491808-AG-A. GRCh37 (hg19) VCF-style: chr17-27818826-AG-A.
Other names: c.775del, p.Asp259fs (NM_025142.1); short protein forms D259fs.
Identifiers: ClinVar variation 3382189 (VCV003382189.2).